The following is an entry in ClinVar:

NM_016628.5(WAC):c.370_377dup (p.Asp126fs)

Gene: WAC (WW domain containing adaptor with coiled-coil; plus strand). Cytogenetic location: 10p12.1.
Variant type: Duplication.
Coding change: c.370_377dup on transcript NM_016628.5 (MANE Select); coding-DNA positions 370 to 377, 8 bases duplicated (ACTTCAGA; older notation c.370_377dupACTTCAGA).
Protein change: p.Asp126fs; shifts the reading frame from aspartic acid 126.
Molecular consequence: frameshift variant.
Genome position (GRCh38, 1-based): chr10:28,583,494-28,583,501, ACTTCAGA duplicated; duplicating any 8 consecutive bases within chr10:28,583,493-28,583,501 gives the same sequence; the c. name uses the placement nearest the transcript's 3' end. VCF-style (leftmost placement, unchanged base first): chr10-28583492-A-AAACTTCAG. GRCh37 (hg19) VCF-style: chr10-28872421-A-AAACTTCAG.
Other names: c.235_242dup, p.Asp81fs (NM_100264.3); c.370_377dup, p.Asp126fs (NM_100486.4); short protein forms D126fs, D81fs.
Identifiers: ClinVar variation 4839834 (VCV004839834.1).

ClinVar aggregate classification (germline): Pathogenic (1 of 4 stars; one submission).

Conditions:
Inborn genetic diseases. Identifiers: MedGen C0950123, MeSH D030342.

Submission:

Ambry Genetics
Classification: Pathogenic for Inborn genetic diseases. Last evaluated: 2026-02-09. Review status: criteria provided, single submitter. Criteria: Ambry Variant Classification Scheme 2023. Collection method: clinical testing. Allele origin: germline.
Comment: The c.370_377dupACTTCAGA (p.D126Efs*69) alteration, located in exon 4 (coding exon 4) of the WAC gene, consists of a duplication of ACTTCAGA at position 370, causing a translational frameshift with a predicted alternate stop codon after 69 amino acids. This variant is expected to result in loss of function by premature protein truncation or nonsense-mediated mRNA decay. This variant was not reported in population-based cohorts in the Genome Aggregation Database (gnomAD). Based on the available evidence, this alteration is classified as pathogenic.